The following is an entry in ClinVar:

ClinVar aggregate classification (germline): Pathogenic/Likely pathogenic. Review status: criteria provided, multiple submitters, no conflicts (2 of 4 stars). 4 submissions from 4 submitters: Pathogenic (2); Likely pathogenic (2). Last evaluated 2025-12-08.

Conditions:
Asphyxiating thoracic dystrophy 3. Also called: POLYDACTYLY WITH NEONATAL CHONDRODYSTROPHY, TYPE I; SHORT-RIB THORACIC DYSPLASIA 3 WITH OR WITHOUT POLYDACTYLY; SHORT-RIB THORACIC DYSPLASIA 3/6 WITH POLYDACTYLY, DIGENIC; Short rib polydactyly syndrome 2B; Saldino-Noonan Syndrome. Identifiers: Orphanet 474, Orphanet 93269, Orphanet 93270, Orphanet 93271, MedGen C0036069, MONDO:0013127, OMIM 613091.
Jeune thoracic dystrophy. Also called: Short-rib thoracic dysplasia; Jeune syndrome; Infantile thoracic dystrophy; Thoracic pelvic phalangeal dystrophy; Jeune's syndrome; Chondroectodermal dysplasia-like syndrome. Identifiers: Orphanet 474, MedGen C0265275, MONDO:0018770.

gnomAD v4.1: 12 of 1,585,652 alleles (0.00076%); highest among the groups gnomAD compares: African/African-American, 0.0054%; no homozygotes.

Submissions (4):

Labcorp Genetics (formerly Invitae), Labcorp
Classification: Pathogenic for Jeune thoracic dystrophy. Last evaluated: 2025-12-08. Review status: criteria provided, single submitter. Criteria: Invitae Variant Classification Sherloc (09022015). Collection method: clinical testing. Allele origin: germline.
Comment: This sequence change creates a premature translational stop signal (p.Arg167*) in the DYNC2H1 gene. It is expected to result in an absent or disrupted protein product. Loss-of-function variants in DYNC2H1 are known to be pathogenic (PMID: 23339108, 32753734, 33755199). The frequency data for this variant in the population databases is considered unreliable, as metrics indicate poor data quality at this position in the gnomAD database. This variant has not been reported in the literature in individuals affected with DYNC2H1-related conditions. ClinVar contains an entry for this variant (Variation ID: 1333515). For these reasons, this variant has been classified as Pathogenic.

Fulgent Genetics
Classification: Likely pathogenic for Asphyxiating thoracic dystrophy 3. Last evaluated: 2024-05-23. Review status: criteria provided, single submitter. Criteria: ACMG Guidelines, 2015. Collection method: clinical testing. Allele origin: germline.

Myriad Genetics, Inc.
Classification: Pathogenic for Asphyxiating thoracic dystrophy 3. Last evaluated: 2024-04-23. Review status: criteria provided, single submitter. Criteria: Myriad Autosomal Dominant, Autosomal Recessive and X-Linked Classification Criteria (2023). Collection method: clinical testing. Allele origin: unknown.
Comment: NM_001377.2(DYNC2H1):c.499C>T(R167*) is expected to be pathogenic in the context of DYNC2H1-related disorders. This variant is predicted to lead to an abnormal or absent protein product due to the creation of a premature termination codon in DYNC2H1, a gene where loss-of-function variants are known to be pathogenic. Please note: this variant was assessed in the context of healthy population screening.

3billion
Classification: Likely pathogenic for Asphyxiating thoracic dystrophy 3. Last evaluated: 2022-01-03. Review status: criteria provided, single submitter. Criteria: ACMG Guidelines, 2015. Collection method: clinical testing. Allele origin: germline. Affected: yes. Observed: 1 heterozygote.
Comment: Stop-gained (nonsense): predicted to result in a loss or disruption of normal protein function through nonsense-mediated decay (NMD) or protein truncation. Multiple pathogenic variants are reported downstream of the variant (PVS1_VS). It is observed at an extremely low frequency in the gnomAD v2.1.1 dataset (total allele frequency: 0.000013, PM2_M). Therefore, this variant is classified as likely pathogenic according to the recommendation of ACMG/AMP guideline.

Literature cited by the submitters: PubMed 23339108 (cited by Labcorp Genetics (formerly Invitae), Labcorp); PubMed 32753734 (cited by Labcorp Genetics (formerly Invitae), Labcorp); PubMed 33755199 (cited by Labcorp Genetics (formerly Invitae), Labcorp).

NM_001377.3(DYNC2H1):c.499C>T (p.Arg167Ter)

Gene: DYNC2H1 (dynein cytoplasmic 2 heavy chain 1; plus strand). Cytogenetic location: 11q22.3.
Variant type: single nucleotide variant.
Coding change: c.499C>T on transcript NM_001377.3 (MANE Select); coding-DNA position 499, C replaced by T.
Protein change: p.Arg167Ter; replaces arginine 167 with a stop codon.
Molecular consequence: nonsense.
Genome position (GRCh38, 1-based): chr11:103,114,235, C>T. VCF-style: chr11-103114235-C-T. GRCh37 (hg19) VCF-style: chr11-102984964-C-T.
Other names: c.499C>T, p.Arg167Ter (NM_001080463.2); short protein forms R167*.
Identifiers: ClinVar variation 1333515 (VCV001333515.10), dbSNP rs755464335, ClinGen allele CA227398507.